The following is an entry in ClinVar:

NM_001378454.1(ALMS1):c.2768C>G (p.Pro923Arg)

Gene: ALMS1 (ALMS1 centrosome and basal body associated protein; plus strand). Cytogenetic location: 2p13.1.
Variant type: single nucleotide variant.
Coding change: c.2768C>G on transcript NM_001378454.1 (MANE Select); coding-DNA position 2768, C replaced by G.
Protein change: p.Pro923Arg; replaces proline 923 with arginine.
Molecular consequence: missense variant.
Genome position (GRCh38, 1-based): chr2:73,449,295, C>G. VCF-style: chr2-73449295-C-G. GRCh37 (hg19) VCF-style: chr2-73676422-C-G.
Other names: c.2771C>G, p.Pro924Arg (NM_015120.4); short protein forms P924R, P923R.
Identifiers: ClinVar variation 2159792 (VCV002159792.1), dbSNP rs2466095890, ClinGen allele CA347271930.

ClinVar aggregate classification (germline): Uncertain significance (1 of 4 stars; one submission).

Conditions:
Alstrom syndrome (ALMS). Identifiers: Orphanet 64, MedGen C0268425, MONDO:0008763, OMIM 203800.

Allele frequency attached by ClinVar (database versions not stated): gnomAD exomes below 0.00001.
gnomAD v4.1: 1 of 1,614,024 alleles (0.000062%); highest among the groups gnomAD compares: Non-Finnish European, 0.000085%; no homozygotes.

Submission:

Labcorp Genetics (formerly Invitae), Labcorp
Classification: Uncertain significance for Alstrom syndrome. Last evaluated: 2022-10-13. Review status: criteria provided, single submitter. Criteria: Invitae Variant Classification Sherloc (09022015). Collection method: clinical testing. Allele origin: germline.
Comment: This sequence change replaces proline, which is neutral and non-polar, with arginine, which is basic and polar, at codon 924 of the ALMS1 protein (p.Pro924Arg). This variant is not present in population databases (gnomAD no frequency). This variant has not been reported in the literature in individuals affected with ALMS1-related conditions. Experimental studies and prediction algorithms are not available or were not evaluated, and the functional significance of this variant is currently unknown. In summary, the available evidence is currently insufficient to determine the role of this variant in disease. Therefore, it has been classified as a Variant of Uncertain Significance.